The following is an entry in ClinVar:

ClinVar aggregate classification (germline): Likely benign (0 of 4 stars; one submission).

Conditions:
TBXAS1-related disorder. Also called: TBXAS1-related condition.

Allele frequency attached by ClinVar (database versions not stated): TOPMed 0.00003.
gnomAD v4.1: 24 of 702,686 alleles (0.0034%); highest among the groups gnomAD compares: African/African-American, 0.014%; no homozygotes.

Submission:

PreventionGenetics, part of Exact Sciences
Classification: Likely benign for TBXAS1-related condition. Last evaluated: 2019-09-17. Review status: no assertion criteria provided. Collection method: clinical testing. Allele origin: germline.
Comment: This variant is classified as likely benign based on ACMG/AMP sequence variant interpretation guidelines (Richards et al. 2015 PMID: 25741868, with internal and published modifications).

NM_001061.7(TBXAS1):c.333+1811G>A

Gene: TBXAS1 (thromboxane A synthase 1; plus strand). Cytogenetic location: 7q34.
Variant type: single nucleotide variant.
Coding change: c.333+1811G>A on transcript NM_001061.7 (MANE Select); 1811 bases into the intron after coding-DNA position 333, G replaced by A.
Molecular consequence: intron variant. On other transcripts: missense variant (1).
Genome position (GRCh38, 1-based): chr7:139,913,132, G>A. VCF-style: chr7-139913132-G-A. GRCh37 (hg19) VCF-style: chr7-139612931-G-A.
Other names: c.401G>A, p.Arg134Gln (NM_001366538.2); c.333+1811G>A (NM_001130966.5, NM_001166253.4, NM_030984.6); c.132+1811G>A (NM_001166254.4); c.276+1811G>A (NM_001314028.4); c.151-23059G>A (NM_001366537.3); short protein forms R134Q.
Identifiers: ClinVar variation 3041125 (VCV003041125.2), dbSNP rs867358737, ClinGen allele CA167947880.